The following is an entry in ClinVar:

ClinVar aggregate classification (germline): Uncertain significance (1 of 4 stars; one submission).

Conditions:
Leber congenital amaurosis 8 (LCA8). Identifiers: Orphanet 65, MedGen C3151202, MONDO:0013453, OMIM 613835.
Retinitis pigmentosa 12 (RP12). Also called: RP WITH OR WITHOUT PRESERVED PARAARTERIOLE RETINAL PIGMENT EPITHELIUM; RETINITIS PIGMENTOSA WITH OR WITHOUT PARAARTERIOLAR PRESERVATION OF RETINAL PIGMENT EPITHELIUM; RP WITH OR WITHOUT PPRPE. Identifiers: Orphanet 791, MedGen C1838647, MONDO:0010818, OMIM 600105.

Allele frequency attached by ClinVar (database versions not stated): TOPMed below 0.00001; gnomAD 0.00001.
gnomAD v4.1: 1 of 1,613,614 alleles (0.000062%); highest among the groups gnomAD compares: African/African-American, 0.0013%; no homozygotes.

Submission:

Labcorp Genetics (formerly Invitae), Labcorp
Classification: Uncertain significance for Leber congenital amaurosis 8; Retinitis pigmentosa 12. Last evaluated: 2022-10-05. Review status: criteria provided, single submitter. Criteria: Invitae Variant Classification Sherloc (09022015). Collection method: clinical testing. Allele origin: germline.
Comment: This variant has not been reported in the literature in individuals affected with CRB1-related conditions. This sequence change replaces valine, which is neutral and non-polar, with glycine, which is neutral and non-polar, at codon 1391 of the CRB1 protein (p.Val1391Gly). This variant is not present in population databases (gnomAD no frequency). Advanced modeling of protein sequence and biophysical properties (such as structural, functional, and spatial information, amino acid conservation, physicochemical variation, residue mobility, and thermodynamic stability) performed at Invitae indicates that this missense variant is expected to disrupt CRB1 protein function. In summary, the available evidence is currently insufficient to determine the role of this variant in disease. Therefore, it has been classified as a Variant of Uncertain Significance.

NM_201253.3(CRB1):c.4172T>G (p.Val1391Gly)

Gene: CRB1 (crumbs cell polarity complex component 1; plus strand). Cytogenetic location: 1q31.3.
Variant type: single nucleotide variant.
Coding change: c.4172T>G on transcript NM_201253.3 (MANE Select); coding-DNA position 4172, T replaced by G.
Protein change: p.Val1391Gly; replaces valine 1391 with glycine.
Molecular consequence: missense variant. On other transcripts: non-coding transcript variant (2).
Genome position (GRCh38, 1-based): chr1:197,477,830, T>G. VCF-style: chr1-197477830-T-G. GRCh37 (hg19) VCF-style: chr1-197446960-T-G.
Other names: c.3836T>G, p.Val1279Gly (NM_001193640.2); c.4100T>G, p.Val1367Gly (NM_001257965.2); c.2564T>G, p.Val855Gly (NM_001257966.2); short protein forms V1279G, V1367G, V855G, V1391G.
Identifiers: ClinVar variation 2123675 (VCV002123675.4), dbSNP rs1468431195, ClinGen allele CA344035903.